The following is an entry in ClinVar:

ClinVar aggregate classification (germline): Uncertain significance. Review status: criteria provided, multiple submitters, no conflicts (2 of 4 stars). 2 submissions from 2 submitters: Uncertain significance (2). Last evaluated 2025-10-13.

Conditions:
Hypertrophic cardiomyopathy. Also called: HYPERTROPHIC MYOCARDIOPATHY. Identifiers: Orphanet 217569, MedGen C0007194, MeSH D002312, MONDO:0005045, HP:0001639.

Allele frequency attached by ClinVar (database versions not stated): gnomAD exomes below 0.00001; TOPMed 0.00002; gnomAD 0.00003.
gnomAD v4.1: 7 of 1,613,672 alleles (0.00043%); highest among the groups gnomAD compares: African/African-American, 0.008%; no homozygotes.

Submissions (2):

Labcorp Genetics (formerly Invitae), Labcorp
Classification: Uncertain significance for Hypertrophic cardiomyopathy. Last evaluated: 2025-10-13. Review status: criteria provided, single submitter. Criteria: Invitae Variant Classification Sherloc (09022015). Collection method: clinical testing. Allele origin: germline.
Comment: This sequence change replaces arginine, which is basic and polar, with cysteine, which is neutral and slightly polar, at codon 664 of the MYOM1 protein (p.Arg664Cys). This variant is present in population databases (no rsID available, gnomAD 0.02%). This variant has not been reported in the literature in individuals affected with MYOM1-related conditions. ClinVar contains an entry for this variant (Variation ID: 2560338). Invitae Evidence Modeling of protein sequence and biophysical properties (such as structural, functional, and spatial information, amino acid conservation, physicochemical variation, residue mobility, and thermodynamic stability) indicates that this missense variant is expected to disrupt MYOM1 protein function with a positive predictive value of 80%. In summary, the available evidence is currently insufficient to determine the role of this variant in disease. Therefore, it has been classified as a Variant of Uncertain Significance.

Ambry Genetics
Classification: Uncertain significance. Last evaluated: 2023-05-27. Review status: criteria provided, single submitter. Criteria: Ambry Variant Classification Scheme 2023. Collection method: clinical testing. Allele origin: germline.
Comment: The p.R664C variant (also known as c.1990C>T), located in coding exon 13 of the MYOM1 gene, results from a C to T substitution at nucleotide position 1990. The arginine at codon 664 is replaced by cysteine, an amino acid with highly dissimilar properties. This amino acid position is conserved. In addition, the in silico prediction for this alteration is inconclusive. Since supporting evidence is limited at this time, the clinical significance of this alteration remains unclear.

NM_003803.4(MYOM1):c.1990C>T (p.Arg664Cys)

Gene: MYOM1 (myomesin 1; minus strand). Cytogenetic location: 18p11.31.
Variant type: single nucleotide variant.
Coding change: c.1990C>T on transcript NM_003803.4 (MANE Select); coding-DNA position 1990, C replaced by T.
Protein change: p.Arg664Cys; replaces arginine 664 with cysteine.
Molecular consequence: missense variant.
Genome position (GRCh38, 1-based): chr18:3,141,974, G>A on the plus strand (C>T on the coding strand, the complement: MYOM1 is on the minus strand). VCF-style: chr18-3141974-G-A. GRCh37 (hg19) VCF-style: chr18-3141972-G-A.
Other names: c.1990C>T, p.Arg664Cys (NM_019856.2); short protein forms R664C.
Identifiers: ClinVar variation 2560338 (VCV002560338.3), dbSNP rs1352521468, ClinGen allele CA401713651.